The following is an entry in ClinVar:

NM_000478.6(ALPL):c.-197C>A

Gene: ALPL (alkaline phosphatase, biomineralization associated; plus strand). Cytogenetic location: 1p36.12.
Variant type: single nucleotide variant.
Coding change: c.-197C>A on transcript NM_000478.6 (MANE Select); 197 bases upstream of the start codon, C replaced by A.
Molecular consequence: 5 prime UTR variant. On other transcripts: intron variant (2).
Genome position (GRCh38, 1-based): chr1:21,509,425, C>A. VCF-style: chr1-21509425-C-A. GRCh37 (hg19) VCF-style: chr1-21835918-C-A.
Other names: c.-197C>A (NM_001127501.4); c.-147C>A (NM_001177520.3); c.-105+314C>A (NM_001369805.2); c.-105+349C>A (NM_001369804.2).
Identifiers: ClinVar variation 3354216 (VCV003354216.1).

ClinVar aggregate classification (germline): Likely benign (0 of 4 stars; one submission).

Conditions:
ALPL-related disorder. Also called: ALPL-related condition; ALPL-related disorders.

Submission:

PreventionGenetics, part of Exact Sciences
Classification: Likely benign for ALPL-related condition. Last evaluated: 2024-08-14. Review status: no assertion criteria provided. Collection method: clinical testing. Allele origin: germline.
Comment: This variant is classified as likely benign based on ACMG/AMP sequence variant interpretation guidelines (Richards et al. 2015 PMID: 25741868, with internal and published modifications).